The following is an entry in ClinVar:

NM_177438.3(DICER1):c.904-19del

Gene: DICER1 (dicer 1, ribonuclease III; minus strand). Cytogenetic location: 14q32.13.
Variant type: Deletion.
Coding change: c.904-19del on transcript NM_177438.3 (MANE Select); 19 bases into the intron before coding-DNA position 904, one base deleted (T; older notation c.904-19delT).
Molecular consequence: intron variant.
Genome position (GRCh38, 1-based): chr14:95,124,687, A deleted on the plus strand (T on the coding strand, the reverse complement: DICER1 is on the minus strand); the first of 6 consecutive A bases (chr14:95,124,687-95,124,692); deleting any one gives the same sequence. VCF-style (leftmost placement, unchanged base first): chr14-95124686-GA-G. GRCh37 (hg19) VCF-style: chr14-95591023-GA-G.
Other names: c.904-19delT (NM_177438.3); c.904-19del (NM_001291628.2, NM_030621.4, NM_001271282.3 and 1 more transcripts).
Identifiers: ClinVar variation 1660398 (VCV001660398.12), dbSNP rs564981123, ClinGen allele CA7331549.

ClinVar aggregate classification (germline): Benign/Likely benign. Review status: criteria provided, multiple submitters, no conflicts (2 of 4 stars). 3 submissions from 3 submitters: Benign (2); Likely benign (1). Last evaluated 2026-04-15.

Conditions:
DICER1-related tumor predisposition. Also called: DICER1-related pleuropulmonary blastoma cancer predisposition syndrome; DICER1 syndrome. Identifiers: Orphanet 284343, MedGen C3839822, MONDO:0100216.

Submissions (3):

Myriad Genetics, Inc.
Classification: Benign for DICER1-related tumor predisposition. Last evaluated: 2026-04-15. Review status: criteria provided, single submitter. Criteria: Myriad Autosomal Dominant, Autosomal Recessive and X-Linked Classification Criteria (2023). Collection method: clinical testing. Allele origin: unknown.
Comment: This variant is considered benign. This variant is intronic and is not expected to impact mRNA splicing.

Labcorp Genetics (formerly Invitae), Labcorp
Classification: Benign for DICER1-related tumor predisposition. Last evaluated: 2026-01-04. Review status: criteria provided, single submitter. Criteria: Invitae Variant Classification Sherloc (09022015). Collection method: clinical testing. Allele origin: germline.

Center for Genomic Medicine, Rigshospitalet, Copenhagen University Hospital
Classification: Likely benign. Last evaluated: 2025-03-04. Review status: criteria provided, single submitter. Criteria: ACMG Guidelines, 2015. Collection method: clinical testing. Allele origin: germline.